The following is an entry in ClinVar:

ClinVar aggregate classification (germline): Uncertain significance (1 of 4 stars; one submission).

Conditions:
Hereditary cancer-predisposing syndrome. Also called: Neoplastic Syndromes, Hereditary; Tumor predisposition; Hereditary Cancer Syndrome; Hereditary neoplastic syndrome. Identifiers: Orphanet 140162, MedGen C0027672, MeSH D009386, MONDO:0015356.

Submission:

Ambry Genetics
Classification: Uncertain significance for Hereditary cancer-predisposing syndrome. Last evaluated: 2018-12-29. Review status: criteria provided, single submitter. Criteria: Ambry Variant Classification Scheme 2023. Collection method: clinical testing. Allele origin: germline.
Comment: The p.L58I variant (also known as c.172C>A), located in coding exon 3 of the PMS2 gene, results from a C to A substitution at nucleotide position 172. The leucine at codon 58 is replaced by isoleucine, an amino acid with highly similar properties. This amino acid position is highly conserved in available vertebrate species. In addition, this alteration is predicted to be deleterious by in silico analysis. Since supporting evidence is limited at this time, the clinical significance of this alteration remains unclear.

NM_000535.7(PMS2):c.172C>A (p.Leu58Ile)

Gene: PMS2 (PMS1 homolog 2, mismatch repair system component; minus strand). Cytogenetic location: 7p22.1.
Variant type: single nucleotide variant.
Coding change: c.172C>A on transcript NM_000535.7 (MANE Select); coding-DNA position 172, C replaced by A.
Protein change: p.Leu58Ile; replaces leucine 58 with isoleucine.
Molecular consequence: missense variant. On other transcripts: 5 prime UTR variant (11), non-coding transcript variant (1).
Genome position (GRCh38, 1-based): chr7:6,004,050, G>T on the plus strand (C>A on the coding strand, the complement: PMS2 is on the minus strand). VCF-style: chr7-6004050-G-T. GRCh37 (hg19) VCF-style: chr7-6043681-G-T.
Other names: c.-234C>A (NM_001018040.1, NM_001322003.2, NM_001322004.2 and 14 more transcripts); c.172C>A, p.Leu58Ile (NM_001322006.2, NM_001322014.2, NM_001406868.1 and 10 more transcripts); c.-44C>A (NM_001322007.2, NM_001322008.2, NM_001406876.1 and 4 more transcripts); c.-713C>A (NM_001322011.2, NM_001322012.2); c.-313C>A (NM_001322015.2, NM_001406875.1, NM_001406877.1 and 3 more transcripts); c.358C>A, p.Leu120Ile (NM_001406866.1); c.-260C>A (NM_001406880.1); c.-210C>A (NM_001406881.1, NM_001406900.1); and 2 more; short protein forms L120I, L58I.
Identifiers: ClinVar variation 1778943 (VCV001778943.2), dbSNP rs1465172427, ClinGen allele CA366744921.